The following is an entry in ClinVar:

NM_152564.5(VPS13B):c.7051-3dup

Gene: VPS13B (vacuolar protein sorting 13 homolog B; plus strand). Cytogenetic location: 8q22.2.
Variant type: Duplication.
Coding change: c.7051-3dup on transcript NM_152564.5 (MANE Select); 3 bases into the intron before coding-DNA position 7051, one base duplicated (T; older notation c.7051-3dupT).
Molecular consequence: intron variant.
Genome position (GRCh38, 1-based): chr8:99,766,771, T duplicated. VCF-style (leftmost placement, unchanged base first): chr8-99766770-A-AT. GRCh37 (hg19) VCF-style: chr8-100778998-A-AT.
Other names: c.7126-3dup (NM_017890.5); c.7051-3dupT (NM_152564.4).
Identifiers: ClinVar variation 1757284 (VCV001757284.8), dbSNP rs2491773855, ClinGen allele CA2579216117.

ClinVar aggregate classification (germline): Conflicting classifications of pathogenicity. Review status: criteria provided, conflicting classifications (1 of 4 stars). 3 submissions from 3 submitters: Uncertain significance (1); Likely benign (1). 1 of the submissions does not count toward it. Last evaluated 2023-11-07.

Conditions:
Cohen syndrome (COH1). Also called: PEPPER SYNDROME; Cutis verticis gyrata, retinitis pigmentosa, and sensorineural deafness. Identifiers: Orphanet 193, MedGen C0265223, MONDO:0008999, OMIM 216550.
VPS13B-related disorder. Also called: VPS13B-related condition.
Inborn genetic diseases. Identifiers: MedGen C0950123, MeSH D030342.

Submissions (3):

Labcorp Genetics (formerly Invitae), Labcorp
Classification: Likely benign for Cohen syndrome. Last evaluated: 2023-11-07. Review status: criteria provided, single submitter. Criteria: Invitae Variant Classification Sherloc (09022015). Collection method: clinical testing. Allele origin: germline.

Ambry Genetics
Classification: Uncertain significance for Inborn genetic diseases. Last evaluated: 2018-05-21. Review status: criteria provided, single submitter. Criteria: Ambry Variant Classification Scheme 2023. Collection method: clinical testing. Allele origin: germline.
Comment: The c.7126-3dupT intronic variant results from a duplication of one nucleotide 3 nucleotides upstream from coding exon 39 of the VPS13B gene. This nucleotide position is not well conserved in available vertebrate species. Using the BDGP and Human Splicing Finder (HSF) splice site prediction tools, this alteration does not have any significant effect on the native splice acceptor site while ESEFinder predicts this alteration results in strengthening of a cryptic splice acceptor site ; however, direct evidence is unavailable. Since supporting evidence is limited at this time, the clinical significance of this alteration remains unclear.

PreventionGenetics, part of Exact Sciences
Classification: Likely benign for VPS13B-related condition. Last evaluated: 2024-01-19. Review status: no assertion criteria provided. Collection method: clinical testing. Allele origin: germline. Not counted in ClinVar's aggregate classification.
Comment: This variant is classified as likely benign based on ACMG/AMP sequence variant interpretation guidelines (Richards et al. 2015 PMID: 25741868, with internal and published modifications).